The following is an entry in ClinVar:

ClinVar aggregate classification (germline): Likely benign. Review status: criteria provided, multiple submitters, no conflicts (2 of 4 stars). 3 submissions from 3 submitters: Likely benign (2). 1 of the submissions does not count toward it. Last evaluated 2026-02-01.

Conditions:
FKBP10-related disorder. Also called: FKBP10-related condition.

Allele frequency attached by ClinVar (database versions not stated): gnomAD exomes 0.00006 and 0.00008; gnomAD 0.00007 and 0.00008; TOPMed 0.00007; ESP Exome Variant Server 0.00008; ExAC 0.00011.
gnomAD v4.1: 129 of 1,610,750 alleles (0.008%); highest among the groups gnomAD compares: Middle Eastern, 0.12%; no homozygotes.

Submissions (3):

CeGaT Center for Human Genetics Tuebingen
Classification: Likely benign. Last evaluated: 2026-02-01. Review status: criteria provided, single submitter. Criteria: CeGaT Center For Human Genetics Tuebingen Variant Classification Criteria Version 2. Collection method: clinical testing. Allele origin: germline. Affected: yes. Observed: 1 variant allele.
Comment: FKBP10: BP4, BP7

Labcorp Genetics (formerly Invitae), Labcorp
Classification: Likely benign. Last evaluated: 2026-01-12. Review status: criteria provided, single submitter. Criteria: Invitae Variant Classification Sherloc (09022015). Collection method: clinical testing. Allele origin: germline.

PreventionGenetics, part of Exact Sciences
Classification: Likely benign for FKBP10-related condition. Last evaluated: 2019-03-07. Review status: no assertion criteria provided. Collection method: clinical testing. Allele origin: germline. Not counted in ClinVar's aggregate classification.
Comment: This variant is classified as likely benign based on ACMG/AMP sequence variant interpretation guidelines (Richards et al. 2015 PMID: 25741868, with internal and published modifications).

NM_021939.4(FKBP10):c.48G>A (p.Leu16=)

Gene: FKBP10 (FKBP prolyl isomerase 10; plus strand). Cytogenetic location: 17q21.2.
Variant type: single nucleotide variant.
Coding change: c.48G>A on transcript NM_021939.4 (MANE Select); coding-DNA position 48, G replaced by A.
Protein change: p.Leu16=; no amino-acid change (leucine 16 retained).
Molecular consequence: synonymous variant.
Genome position (GRCh38, 1-based): chr17:41,813,082, G>A. VCF-style: chr17-41813082-G-A. GRCh37 (hg19) VCF-style: chr17-39969334-G-A.
Other names: c.48G>A (NM_021939.3).
Identifiers: ClinVar variation 1562727 (VCV001562727.14), dbSNP rs368474970, ClinGen allele CA8566115.